The following is an entry in ClinVar:

ClinVar aggregate classification (germline): Uncertain significance (1 of 4 stars; one submission).

Conditions:
Combined immunodeficiency due to LRBA deficiency. Also called: Common variable immunodeficiency 8, with autoimmunity. Identifiers: Orphanet 445018, MedGen C3553512, MONDO:0013863, OMIM 614700.

gnomAD v4.1: 4 of 1,613,832 alleles (0.00025%); highest among the groups gnomAD compares: South Asian, 0.0044%; no homozygotes.

Submission:

Labcorp Genetics (formerly Invitae), Labcorp
Classification: Uncertain significance for Combined immunodeficiency due to LRBA deficiency. Last evaluated: 2024-01-31. Review status: criteria provided, single submitter. Criteria: Invitae Variant Classification Sherloc (09022015). Collection method: clinical testing. Allele origin: germline.
Comment: This sequence change replaces leucine, which is neutral and non-polar, with valine, which is neutral and non-polar, at codon 413 of the LRBA protein (p.Leu413Val). This variant is not present in population databases (gnomAD no frequency). This variant has not been reported in the literature in individuals affected with LRBA-related conditions. Advanced modeling of protein sequence and biophysical properties (such as structural, functional, and spatial information, amino acid conservation, physicochemical variation, residue mobility, and thermodynamic stability) performed at Invitae indicates that this missense variant is expected to disrupt LRBA protein function with a positive predictive value of 80%. In summary, the available evidence is currently insufficient to determine the role of this variant in disease. Therefore, it has been classified as a Variant of Uncertain Significance.

NM_001364905.1(LRBA):c.1237C>G (p.Leu413Val)

Gene: LRBA (LPS responsive beige-like anchor protein; minus strand). Cytogenetic location: 4q31.3.
Variant type: single nucleotide variant.
Coding change: c.1237C>G on transcript NM_001364905.1 (MANE Select); coding-DNA position 1237, C replaced by G.
Protein change: p.Leu413Val; replaces leucine 413 with valine.
Molecular consequence: missense variant.
Genome position (GRCh38, 1-based): chr4:150,908,782, G>C on the plus strand (C>G on the coding strand, the complement: LRBA is on the minus strand). VCF-style: chr4-150908782-G-C. GRCh37 (hg19) VCF-style: chr4-151829934-G-C.
Other names: c.1237C>G, p.Leu413Val (NM_001199282.3, NM_001367550.1, NM_006726.5); short protein forms L413V.
Identifiers: ClinVar variation 2704578 (VCV002704578.3), dbSNP rs2546646703, ClinGen allele CA358433812.
Genomic context (GRCh38, chr4:150,908,782, plus strand): 5'-CAAGACAAAGCTGGGCATCTGTAGCCCGTGGATTGTACGTGAATGCAATGGCACTAGAGA[G>C]TTTCCCATCGTACAATAAAAGTTTGTGATGCTCAGCAAGGAAAAGGTCGCTTTCTGCTTT-3'
Protein context (NP_001351834.1, residues 403-423): HHKLLLYDGK[Leu413Val]SSAIAFTYNP